The following is an entry in ClinVar:

NM_014423.4(AFF4):c.1073G>T (p.Gly358Val)

Gene: AFF4 (ALF transcription elongation factor 4; minus strand). Cytogenetic location: 5q31.1.
Variant type: single nucleotide variant.
Coding change: c.1073G>T on transcript NM_014423.4 (MANE Select); coding-DNA position 1073, G replaced by T.
Protein change: p.Gly358Val; replaces glycine 358 with valine.
Molecular consequence: missense variant.
Genome position (GRCh38, 1-based): chr5:132,904,382, C>A on the plus strand (G>T on the coding strand, the complement: AFF4 is on the minus strand). VCF-style: chr5-132904382-C-A. GRCh37 (hg19) VCF-style: chr5-132240074-C-A.
Other names: short protein forms G358V.
Identifiers: ClinVar variation 1302088 (VCV001302088.2), dbSNP rs2150077981, ClinGen allele CA360945065.

ClinVar aggregate classification (germline): Uncertain significance (1 of 4 stars; one submission).

Submission:

GeneDx
Classification: Uncertain significance. Last evaluated: 2021-04-09. Review status: criteria provided, single submitter. Criteria: GeneDx Variant Classification Process June 2021. Collection method: clinical testing. Allele origin: germline. Affected: yes.
Comment: Not observed in large population cohorts (Lek et al., 2016); In silico analysis supports that this missense variant does not alter protein structure/function; Has not been previously published as pathogenic or benign to our knowledge